The following is an entry in ClinVar:

NM_022370.4(ROBO3):c.3836C>T (p.Ala1279Val)

Gene: ROBO3 (roundabout guidance receptor 3; plus strand). Cytogenetic location: 11q24.2.
Variant type: single nucleotide variant.
Coding change: c.3836C>T on transcript NM_022370.4 (MANE Select); coding-DNA position 3836, C replaced by T.
Protein change: p.Ala1279Val; replaces alanine 1279 with valine.
Molecular consequence: missense variant. On other transcripts: non-coding transcript variant (7).
Genome position (GRCh38, 1-based): chr11:124,879,826, C>T. VCF-style: chr11-124879826-C-T. GRCh37 (hg19) VCF-style: chr11-124749722-C-T.
Other names: c.983C>T, p.Ala328Val (NM_001370356.1, NM_001370357.1, NM_001370358.1 and 2 more transcripts); c.788C>T, p.Ala263Val (NM_001370364.1, NM_001370366.1); short protein forms A1279V, A328V, A263V.
Identifiers: ClinVar variation 878435 (VCV000878435.30), dbSNP rs201702041, ClinGen allele CA6344300.
Genomic context (GRCh38, chr11:124,879,826, plus strand): 5'-TGAAAACAGCTCCCTCCCCAGACTTGCCCCCACCACCCTTGCCACCGCCAGAGGAAGAGG[C>T]GAGCTGGGCCCTAGAGCTGAGGGCAGCAGGCAGCATGTCCTCCCTGGAGCGGGAGCGCAG-3'
Protein context (NP_071765.2, residues 1269-1289): PPPLPPPEEE[Ala1279Val]SWALELRAAG

ClinVar aggregate classification (germline): Conflicting classifications of pathogenicity. Review status: criteria provided, conflicting classifications (1 of 4 stars). 3 submissions from 3 submitters: Uncertain significance (2); Likely benign (1). Last evaluated 2024-10-21.

Conditions:
Inborn genetic diseases. Identifiers: MedGen C0950123, MeSH D030342.
Gaze palsy, familial horizontal, with progressive scoliosis 1 (HGPPS1). Identifiers: Orphanet 2744, MedGen C4551964, MONDO:0020790, OMIM 607313.

Allele frequency attached by ClinVar (database versions not stated): ESP Exome Variant Server 0.00008; TOPMed 0.00012; gnomAD 0.00013 and 0.00015; ExAC 0.00026; gnomAD exomes 0.00026 and 0.00028.
gnomAD v4.1: 430 of 1,613,858 alleles (0.027%); highest among the groups gnomAD compares: South Asian, 0.09%; 1 homozygote.

Submissions (3):

Ambry Genetics
Classification: Uncertain significance for Inborn genetic diseases. Last evaluated: 2024-10-21. Review status: criteria provided, single submitter. Criteria: Ambry Variant Classification Scheme 2023. Collection method: clinical testing. Allele origin: germline.

CeGaT Center for Human Genetics Tuebingen
Classification: Likely benign. Last evaluated: 2023-08-01. Review status: criteria provided, single submitter. Criteria: CeGaT Center For Human Genetics Tuebingen Variant Classification Criteria Version 2. Collection method: clinical testing. Allele origin: germline. Affected: yes. Observed: 1 variant allele.
Comment: ROBO3: BP4, BS2

Illumina Laboratory Services, Illumina
Classification: Uncertain significance for Gaze palsy, familial horizontal, with progressive scoliosis 1. Last evaluated: 2018-01-13. Review status: criteria provided, single submitter. Criteria: ICSL Variant Classification Criteria 13 December 2019. Collection method: clinical testing. Allele origin: germline.